The following is an entry in ClinVar:

NM_016169.4(SUFU):c.53C>T (p.Pro18Leu)

Genes: SUFU (SUFU negative regulator of hedgehog signaling; plus strand), LOC130004614 (ATAC-STARR-seq lymphoblastoid silent region 2764; plus strand). Cytogenetic location: 10q24.32.
Variant type: single nucleotide variant.
Coding change: c.53C>T on transcript NM_016169.4 (MANE Select); coding-DNA position 53, C replaced by T.
Protein change: p.Pro18Leu; replaces proline 18 with leucine.
Molecular consequence: missense variant.
Genome position (GRCh38, 1-based): chr10:102,504,205, C>T. VCF-style: chr10-102504205-C-T. GRCh37 (hg19) VCF-style: chr10-104263962-C-T.
Other names: c.53C>T, p.Pro18Leu (NM_001178133.2); short protein forms P18L.
Identifiers: ClinVar variation 2447184 (VCV002447184.6), dbSNP rs1489443369, ClinGen allele CA377886273.

ClinVar aggregate classification (germline): Uncertain significance. Review status: criteria provided, multiple submitters, no conflicts (2 of 4 stars). 2 submissions from 2 submitters: Uncertain significance (2). Last evaluated 2026-01-27.

Conditions:
Hereditary cancer-predisposing syndrome. Also called: Hereditary neoplastic syndrome; Tumor predisposition; Neoplastic Syndromes, Hereditary; Hereditary Cancer Syndrome. Identifiers: Orphanet 140162, MedGen C0027672, MeSH D009386, MONDO:0015356.
Gorlin syndrome. Also called: Nevoid Basal Cell Carcinoma Syndrome; Basal cell nevus syndrome. Identifiers: Orphanet 377, MedGen C0004779, MONDO:0007187.
Medulloblastoma (MDB). Also called: MEDULLOBLASTOMA PREDISPOSITION SYNDROME; Medulloblastoma, somatic. Identifiers: Orphanet 616, MedGen C0025149, MeSH D008527, MONDO:0007959, OMIM 155255, HP:0002885.

Submissions (2):

Labcorp Genetics (formerly Invitae), Labcorp
Classification: Uncertain significance for Gorlin syndrome; Medulloblastoma. Last evaluated: 2026-01-27. Review status: criteria provided, single submitter. Criteria: Invitae Variant Classification Sherloc (09022015). Collection method: clinical testing. Allele origin: germline.
Comment: This sequence change replaces proline, which is neutral and non-polar, with leucine, which is neutral and non-polar, at codon 18 of the SUFU protein (p.Pro18Leu). This variant is not present in population databases (gnomAD no frequency). This variant has not been reported in the literature in individuals affected with SUFU-related conditions. ClinVar contains an entry for this variant (Variation ID: 2447184). An algorithm developed to predict the effect of missense changes on protein structure and function (PolyPhen-2) suggests that this variant is likely to be tolerated. In summary, the available evidence is currently insufficient to determine the role of this variant in disease. Therefore, it has been classified as a Variant of Uncertain Significance.

Ambry Genetics
Classification: Uncertain significance for Hereditary cancer-predisposing syndrome. Last evaluated: 2024-12-12. Review status: criteria provided, single submitter. Criteria: Ambry Variant Classification Scheme 2023. Collection method: clinical testing. Allele origin: germline.
Comment: The p.P18L variant (also known as c.53C>T), located in coding exon 1 of the SUFU gene, results from a C to T substitution at nucleotide position 53. The proline at codon 18 is replaced by leucine, an amino acid with similar properties. This amino acid position is conserved. In addition, this alteration is predicted to be tolerated by in silico analysis. Since supporting evidence is limited at this time, the clinical significance of this alteration remains unclear.